The following is an entry in ClinVar:

NM_016356.5(DCDC2):c.1164C>T (p.Val388=)

Gene: DCDC2 (doublecortin domain containing 2; minus strand). Cytogenetic location: 6p22.3.
Variant type: single nucleotide variant.
Coding change: c.1164C>T on transcript NM_016356.5 (MANE Select); coding-DNA position 1164, C replaced by T.
Protein change: p.Val388=; no amino-acid change (valine 388 retained).
Molecular consequence: synonymous variant.
Genome position (GRCh38, 1-based): chr6:24,178,492, G>A on the plus strand (C>T on the coding strand, the complement: DCDC2 is on the minus strand). VCF-style: chr6-24178492-G-A. GRCh37 (hg19) VCF-style: chr6-24178720-G-A.
Other names: c.1164C>T, p.Val388= (NM_001195610.2).
Identifiers: ClinVar variation 707242 (VCV000707242.10), dbSNP rs767129413, ClinGen allele CA3654499.

ClinVar aggregate classification (germline): Likely benign. Review status: criteria provided, multiple submitters, no conflicts (2 of 4 stars). 3 submissions from 3 submitters: Likely benign (3). Last evaluated 2025-01-13.

Conditions:
DCDC2-related disorder. Also called: DCDC2-related condition.
Isolated neonatal sclerosing cholangitis (NSC). Also called: Sclerosing cholangitis, neonatal. Identifiers: Orphanet 480556, MedGen C4479344, MONDO:0018816, OMIM 617394.
Autosomal recessive nonsyndromic hearing loss 66 (DFNB66). Also called: Deafness, autosomal recessive 66. Identifiers: Orphanet 90636, MedGen C1857750, MONDO:0012442, OMIM 610212.

Allele frequency attached by ClinVar (database versions not stated): ExAC 0.00002; TOPMed 0.00004.
gnomAD v4.1: 46 of 1,613,934 alleles (0.0029%); highest among the groups gnomAD compares: Admixed American, 0.0067%; no homozygotes.

Submissions (3):

PreventionGenetics, part of Exact Sciences
Classification: Likely benign for DCDC2-related condition. Last evaluated: 2025-01-13. Review status: criteria provided, single submitter. Criteria: ACMG Guidelines, 2015. Collection method: clinical testing. Allele origin: germline.
Comment: This variant is classified as likely benign based on ACMG/AMP sequence variant interpretation guidelines (Richards et al. 2015 PMID: 25741868, with internal and published modifications).

Labcorp Genetics (formerly Invitae), Labcorp
Classification: Likely benign for Autosomal recessive nonsyndromic hearing loss 66; Isolated neonatal sclerosing cholangitis. Last evaluated: 2024-12-04. Review status: criteria provided, single submitter. Criteria: Invitae Variant Classification Sherloc (09022015). Collection method: clinical testing. Allele origin: germline.

Blueprint Genetics
Classification: Likely benign. Last evaluated: 2024-09-17. Review status: criteria provided, single submitter. Criteria: ACMG Guidelines, 2015. Collection method: clinical testing. Allele origin: germline.